The following is an entry in ClinVar:

NM_213599.3(ANO5):c.742T>G (p.Ser248Ala)

Gene: ANO5 (anoctamin 5; plus strand). Cytogenetic location: 11p14.3.
Variant type: single nucleotide variant.
Coding change: c.742T>G on transcript NM_213599.3 (MANE Select); coding-DNA position 742, T replaced by G.
Protein change: p.Ser248Ala; replaces serine 248 with alanine.
Molecular consequence: missense variant.
Genome position (GRCh38, 1-based): chr11:22,236,256, T>G. VCF-style: chr11-22236256-T-G. GRCh37 (hg19) VCF-style: chr11-22257802-T-G.
Other names: c.739T>G, p.Ser247Ala (NM_001142649.2); short protein forms S247A, S248A.
Identifiers: ClinVar variation 1405785 (VCV001405785.6), dbSNP rs751085690, ClinGen allele CA379920311.

ClinVar aggregate classification (germline): Uncertain significance (1 of 4 stars; one submission).

Conditions:
Autosomal recessive limb-girdle muscular dystrophy type 2L (LGMDR12). Also called: Limb-girdle muscular dystrophy, type 2L; MUSCULAR DYSTROPHY, LIMB-GIRDLE, AUTOSOMAL RECESSIVE 12; Limb-Girdle Muscular Dystrophy R12 Anoctamin-5-Related (LGMD-R12). Identifiers: Orphanet 206549, MedGen C1969785, MONDO:0012652, OMIM 611307.
Gnathodiaphyseal dysplasia (GDD). Also called: GNATHODIAPHYSEAL SCLEROSIS; OSTEOGENESIS IMPERFECTA WITH UNUSUAL SKELETAL LESIONS. Identifiers: Orphanet 53697, MedGen C1833736, MONDO:0008151, OMIM 166260.

Submission:

Labcorp Genetics (formerly Invitae), Labcorp
Classification: Uncertain significance for Autosomal recessive limb-girdle muscular dystrophy type 2L; Gnathodiaphyseal dysplasia. Last evaluated: 2021-09-19. Review status: criteria provided, single submitter. Criteria: Invitae Variant Classification Sherloc (09022015). Collection method: clinical testing. Allele origin: germline.
Comment: This variant has not been reported in the literature in individuals affected with ANO5-related conditions. In summary, the available evidence is currently insufficient to determine the role of this variant in disease. Therefore, it has been classified as a Variant of Uncertain Significance. Algorithms developed to predict the effect of sequence changes on RNA splicing suggest that this variant may create or strengthen a splice site. Advanced modeling of protein sequence and biophysical properties (such as structural, functional, and spatial information, amino acid conservation, physicochemical variation, residue mobility, and thermodynamic stability) performed at Invitae indicates that this missense variant is not expected to disrupt ANO5 protein function. This variant is not present in population databases (ExAC no frequency). This sequence change replaces serine with alanine at codon 248 of the ANO5 protein (p.Ser248Ala). The serine residue is weakly conserved and there is a moderate physicochemical difference between serine and alanine.